The following is an entry in ClinVar:

NM_003086.4(SNAPC4):c.3156A>C (p.Pro1052=)

Gene: SNAPC4 (small nuclear RNA activating complex polypeptide 4; minus strand). Cytogenetic location: 9q34.3.
Variant type: single nucleotide variant.
Coding change: c.3156A>C on transcript NM_003086.4 (MANE Select); coding-DNA position 3156, A replaced by C.
Protein change: p.Pro1052=; no amino-acid change (proline 1052 retained).
Molecular consequence: synonymous variant.
Genome position (GRCh38, 1-based): chr9:136,378,671, T>G on the plus strand (A>C on the coding strand, the complement: SNAPC4 is on the minus strand). VCF-style: chr9-136378671-T-G. GRCh37 (hg19) VCF-style: chr9-139273123-T-G.
Other names: c.3156A>C, p.Pro1052= (NM_001394201.1); c.3072A>C, p.Pro1024= (NM_001394202.1, NM_001394203.1).
Identifiers: ClinVar variation 3778011 (VCV003778011.7).

ClinVar aggregate classification (germline): Likely benign (1 of 4 stars; one submission).

Submission:

CeGaT Center for Human Genetics Tuebingen
Classification: Likely benign. Last evaluated: 2025-03-01. Review status: criteria provided, single submitter. Criteria: CeGaT Center For Human Genetics Tuebingen Variant Classification Criteria Version 2. Collection method: clinical testing. Allele origin: germline. Affected: yes. Observed: 1 variant allele.
Comment: SNAPC4: BP4, BP7